The following is an entry in ClinVar:

NM_001278116.2(L1CAM):c.1829-2A>G

Gene: L1CAM (L1 cell adhesion molecule; minus strand). Cytogenetic location: Xq28.
Variant type: single nucleotide variant.
Coding change: c.1829-2A>G on transcript NM_001278116.2 (MANE Select); the canonical splice acceptor site of the intron before coding-DNA position 1829, A replaced by G.
Molecular consequence: splice acceptor variant.
Genome position (GRCh38, 1-based): chrX:153,867,912, T>C on the plus strand (A>G on the coding strand, the complement: L1CAM is on the minus strand). VCF-style: chrX-153867912-T-C. GRCh37 (hg19) VCF-style: chrX-153133367-T-C.
Other names: NC_000023.10:g.153133367T>C; c.1814-2A>G (NM_001143963.2); c.1829-2A>G (NM_024003.3, NM_000425.5).
Identifiers: ClinVar variation 1878415 (VCV001878415.2), dbSNP rs2520995503, ClinGen allele CA415123101.

ClinVar aggregate classification (germline): Likely pathogenic (1 of 4 stars; one submission).

Conditions:
L1 syndrome. Identifiers: Orphanet 275543, MedGen C5779710, MONDO:0017140.

Submissions (2):

Women's Health and Genetics/Laboratory Corporation of America, LabCorp
Classification: Likely pathogenic for L1 syndrome. Last evaluated: 2022-12-30. Review status: criteria provided, single submitter. Criteria: LabCorp Variant Classification Summary - May 2015. Collection method: clinical testing. Allele origin: germline.
Comment: Variant summary: L1CAM c.1829-2A>G is located in a canonical splice-site and is predicted to affect mRNA splicing resulting in a significantly altered protein due to either exon skipping, shortening, or inclusion of intronic material. Several computational tools predict a significant impact on normal splicing: Four predict the variant abolishes the canonical 3' splice acceptor site. However, these predictions have yet to be confirmed by functional studies. The variant was absent in 181130 control chromosomes. To our knowledge, no occurrence of c.1829-2A>G in individuals affected with L1 Syndrome and no experimental evidence demonstrating its impact on protein function have been reported. No clinical diagnostic laboratories have submitted clinical-significance assessments for this variant to ClinVar after 2014. Based on the evidence outlined above, the variant was classified as likely pathogenic.

Dr. Peter K. Rogan Lab, Western University
No classification provided (evidence only). Condition: Nonpapillary renal cell carcinoma. Review status: no classification provided. Collection method: in vitro. Allele origin: not applicable. Functional consequence: retained intron. Not counted in ClinVar's aggregate classification.